The following is an entry in ClinVar:

ClinVar aggregate classification (germline): Benign/Likely benign. Review status: criteria provided, multiple submitters, no conflicts (2 of 4 stars). 4 submissions from 4 submitters: Benign (1); Likely benign (3). Last evaluated 2025-09-25.

Conditions:
Hereditary cancer-predisposing syndrome. Also called: Hereditary neoplastic syndrome; Neoplastic Syndromes, Hereditary; Tumor predisposition; Hereditary Cancer Syndrome. Identifiers: Orphanet 140162, MedGen C0027672, MeSH D009386, MONDO:0015356.
Familial cancer of breast. Also called: Hereditary breast cancer; BREAST CANCER, FAMILIAL; hereditary breast carcinoma. Identifiers: Orphanet 227535, MedGen C0346153, MONDO:0016419, OMIM 114480. Disease mechanism: loss of function.

Submissions (4):

Labcorp Genetics (formerly Invitae), Labcorp
Classification: Benign for Familial cancer of breast. Last evaluated: 2025-09-25. Review status: criteria provided, single submitter. Criteria: Invitae Variant Classification Sherloc (09022015). Collection method: clinical testing. Allele origin: germline.

Myriad Genetics, Inc.
Classification: Likely benign for Familial cancer of breast. Last evaluated: 2024-07-19. Review status: criteria provided, single submitter. Criteria: Myriad Autosomal Dominant, Autosomal Recessive and X-Linked Classification Criteria (2023). Collection method: clinical testing. Allele origin: unknown.
Comment: This variant is considered likely benign. This variant is intronic and is not expected to impact mRNA splicing.

Color Diagnostics, LLC DBA Color Health
Classification: Likely benign for Hereditary cancer-predisposing syndrome. Last evaluated: 2018-08-16. Review status: criteria provided, single submitter. Criteria: ACMG Guidelines, 2015. Collection method: clinical testing. Allele origin: germline.

GeneDx
Classification: Likely benign. Last evaluated: 2016-07-08. Review status: criteria provided, single submitter. Criteria: GeneDx Variant Classification (06012015). Collection method: clinical testing. Allele origin: germline. Affected: yes.
Comment: This variant is considered likely benign or benign based on one or more of the following criteria: it is a conservative change, it occurs at a poorly conserved position in the protein, it is predicted to be benign by multiple in silico algorithms, and/or has population frequency not consistent with disease.

NM_000465.4(BARD1):c.365-14_365-13dup

Gene: BARD1 (BRCA1 associated RING domain 1; minus strand). Cytogenetic location: 2q35.
Variant type: Duplication.
Coding change: c.365-14_365-13dup on transcript NM_000465.4 (MANE Select); 14 bases into the intron before coding-DNA position 365 through 13 bases into the intron before coding-DNA position 365, 2 bases duplicated (TT; older notation c.365-14_365-13dupTT).
Molecular consequence: intron variant.
Genome position (GRCh38, 1-based): chr2:214,781,517-214,781,518, AA duplicated on the plus strand (TT on the coding strand, the reverse complement: BARD1 is on the minus strand); duplicating any 2 consecutive bases within chr2:214,781,517-214,781,523 gives the same sequence; the c. name uses the placement nearest the transcript's 3' end. VCF-style (leftmost placement, unchanged base first): chr2-214781516-G-GAA. GRCh37 (hg19) VCF-style: chr2-215646240-G-GAA.
Other names: c.365-14_365-13dup (LRG_297t1); c.158+27889_158+27890dup (NM_001282548.2); c.308-14_308-13dup (NM_001282543.2); c.215+15538_215+15539dup (NM_001282545.2); c.364+10774_364+10775dup (NM_001282549.2); c.365-9_365-8dupTT (NM_000465.2).
Identifiers: ClinVar variation 421646 (VCV000421646.13), dbSNP rs776103948, ClinGen allele CA16617453.